The following is an entry in ClinVar:

ClinVar aggregate classification (germline): Pathogenic. Review status: criteria provided, multiple submitters, no conflicts (2 of 4 stars). 17 submissions from 16 submitters: Pathogenic (13). 4 of the submissions do not count toward it. Last evaluated 2025-10-30.

Conditions:
TSC1-related disorder. Also called: TSC1-related condition.
Hereditary cancer-predisposing syndrome. Also called: Neoplastic Syndromes, Hereditary; Tumor predisposition; Hereditary Cancer Syndrome; Hereditary neoplastic syndrome. Identifiers: Orphanet 140162, MedGen C0027672, MeSH D009386, MONDO:0015356.
Tuberous sclerosis syndrome (TSC). Also called: Tuberous Sclerosis Complex; Tuberous sclerosis. Identifiers: Orphanet 805, MedGen C0041341, MONDO:0001734.
Tuberous sclerosis 1 (TSC1). Identifiers: Orphanet 805, MedGen C1854465, MONDO:0008612, OMIM 191100.

Submissions (17):

PreventionGenetics, part of Exact Sciences
Classification: Pathogenic for TSC1-related condition. Last evaluated: 2025-10-30. Review status: criteria provided, single submitter. Criteria: ACMG Guidelines, 2015. Collection method: clinical testing. Allele origin: germline.
Comment: The TSC1 c.1904_1905delCA variant is predicted to result in a frameshift and premature protein termination (p.Thr635Argfs*52). This variant has been reported in multiple individuals with tuberous sclerosis (Table S1, Bullich et al. 2018. PubMed ID: 29801666; Table S2, Domingo-Gallego et al. 2022. PubMed ID: 33532864; Table S1, Salinas et al. 2020. PubMed ID: 33084218; Table S1, Togi et al. 2022. PubMed ID: 36232477). This variant has not been reported in a large population database (gnomAD), indicating this variant is rare. This variant is interpreted as pathogenic in ClinVar (Variation ID: 5100). Frameshift variants in TSC1 are expected to be pathogenic. This variant is interpreted as pathogenic.

Labcorp Genetics (formerly Invitae), Labcorp
Classification: Pathogenic for Tuberous sclerosis 1. Last evaluated: 2025-09-28. Review status: criteria provided, single submitter. Criteria: Invitae Variant Classification Sherloc (09022015). Collection method: clinical testing. Allele origin: germline.
Comment: This sequence change creates a premature translational stop signal (p.Thr635Argfs*52) in the TSC1 gene. It is expected to result in an absent or disrupted protein product. Loss-of-function variants in TSC1 are known to be pathogenic (PMID: 10227394, 17304050). This variant is not present in population databases (gnomAD no frequency). This premature translational stop signal has been observed in individual(s) with tuberous sclerosis complex (TSC) (PMID: 9242607, 10053179, 21520333). Invitae Evidence Modeling of clinical and family history, age, sex, and reported ancestry of multiple individuals with this TSC1 variant has been performed. This variant is expected to be pathogenic with a positive predictive value of at least 99%. This is a validated machine learning model that incorporates the clinical features of 1,224,362 individuals referred to our laboratory for TSC1 testing. This variant is also known as 2122delAC. For these reasons, this variant has been classified as Pathogenic.

GeneDx
Classification: Pathogenic. Last evaluated: 2025-06-11. Review status: criteria provided, single submitter. Criteria: GeneDx Variant Classification Process June 2021. Collection method: clinical testing. Allele origin: germline. Affected: yes.
Comment: Frameshift variant predicted to result in protein truncation or nonsense mediated decay in a gene for which loss of function is a known mechanism of disease; Not observed at significant frequency in large population cohorts (gnomAD); This variant is associated with the following publications: (PMID: 10053179, 9242607, 32211034, 33084218, 33532864, 32917966, 32005694, 36232477, 29801666)

Swedish National ChiCaP Initative, Genomic Medicine Sweden
Classification: Pathogenic for TSC1-related disorder. Last evaluated: 2024-05-01. Review status: criteria provided, single submitter. Criteria: ACMG Guidelines, 2015. Collection method: clinical testing. Allele origin: germline. Affected: yes.

Myriad Genetics, Inc.
Classification: Pathogenic for Tuberous sclerosis 1. Last evaluated: 2024-02-21. Review status: criteria provided, single submitter. Criteria: Myriad Autosomal Dominant, Autosomal Recessive and X-Linked Classification Criteria (2023). Collection method: clinical testing. Allele origin: unknown.
Comment: This variant is considered pathogenic. This variant creates a frameshift predicted to result in premature protein truncation.

Institute of Medical Genetics and Applied Genomics, University Hospital Tübingen
Classification: Pathogenic for Tuberous sclerosis syndrome. Last evaluated: 2023-08-29. Review status: criteria provided, single submitter. Criteria: ACMG Guidelines, 2015. Collection method: clinical testing. Allele origin: germline. Inheritance: Autosomal dominant inheritance. Affected: yes.

Ambry Genetics
Classification: Pathogenic for Hereditary cancer-predisposing syndrome. Last evaluated: 2023-01-26. Review status: criteria provided, single submitter. Criteria: Ambry Variant Classification Scheme 2023. Collection method: clinical testing. Allele origin: germline.
Comment: The c.1904_1905delCA pathogenic mutation, located in coding exon 13 of the TSC1 gene, results from a deletion of two nucleotides at nucleotide positions 1904 to 1905, causing a translational frameshift with a predicted alternate stop codon (p.T635Rfs*52). This alteration has been observed in multiple individuals with a personal history that is consistent with TSC1-related disease (Au KS et al. Genet Med, 2007 Feb;9:88-100; Ding Y et al. Front Genet, 2020 Mar;11:204; Dong X et al. J Med Genet, 2020 Aug;57:558-566; Meng Y et al. J Hum Genet, 2021 Mar;66:227-236). This variant is considered to be rare based on population cohorts in the Genome Aggregation Database (gnomAD). In addition to the clinical data presented in the literature, this alteration is expected to result in loss of function by premature protein truncation or nonsense-mediated mRNA decay. As such, this alteration is interpreted as a disease-causing mutation.

Institute of Human Genetics, University of Leipzig Medical Center
Classification: Pathogenic for Tuberous sclerosis 1. Last evaluated: 2022-09-06. Review status: criteria provided, single submitter. Criteria: ACMG Guidelines, 2015. Collection method: clinical testing. Allele origin: unknown. Affected: yes.
Comment: Criteria applied: PVS1,PS4,PM2_SUP

Blueprint Genetics
Classification: Pathogenic for TSC1-related disorders. Last evaluated: 2022-08-16. Review status: criteria provided, single submitter. Criteria: ACMG Guidelines, 2015. Collection method: clinical testing. Allele origin: germline. Affected: yes. Observed: 1 variant allele.

Genome-Nilou Lab
Classification: Pathogenic for Tuberous sclerosis 1. Last evaluated: 2021-11-07. Review status: criteria provided, single submitter. Criteria: ACMG Guidelines, 2015. Collection method: clinical testing. Allele origin: germline. Affected: no.

Molecular Biology Laboratory, Fundació Puigvert
Classification: Pathogenic for Tuberous sclerosis 1. Last evaluated: 2020-02-01. Review status: criteria provided, single submitter. Criteria: ACMG Guidelines, 2015. Collection method: research. Allele origin: germline. Affected: yes. Study: KidneyPanel_2020.

Athena Diagnostics
Classification: Pathogenic. Last evaluated: 2017-11-22. Review status: criteria provided, single submitter. Criteria: Athena Diagnostics Criteria. Collection method: clinical testing. Allele origin: germline.

Consultorio y Laboratorio de Neurogenética, Hospital JM Ramos Mejia
Classification: Pathogenic for Tuberous sclerosis 1. Review status: criteria provided, single submitter. Criteria: Perez et al. (J Hum Genet. 2020). Collection method: clinical testing. Allele origin: unknown. Inheritance: Autosomal dominant inheritance. Affected: yes. Observed: 1 heterozygote.

Division of Genomic Medicine, Department of Advanced Medicine, Medical Research Institute, Kanazawa Medical University
Classification: Pathogenic for Tuberous sclerosis 1. Last evaluated: 2020-06-09. Review status: no assertion criteria provided. Collection method: clinical testing. Allele origin: germline. Affected: yes. Observed: 1 variant allele. Not counted in ClinVar's aggregate classification.

OMIM
Classification: Pathogenic for TUBEROUS SCLEROSIS 1. Last evaluated: 1999-03-04. Review status: no assertion criteria provided. Collection method: literature only. Allele origin: germline. Not counted in ClinVar's aggregate classification.

Tuberous sclerosis database (TSC1)
No classification provided. Condition: TSC. Review status: no classification provided. Criteria: Tuberous Sclerosis Database Assertion Criteria 2015. Collection method: curation. Allele origin: germline. Affected: yes. Not counted in ClinVar's aggregate classification.

Tuberous sclerosis database (TSC1)
No classification provided. Condition: TSC. Review status: flagged submission. Criteria: Tuberous Sclerosis Database Assertion Criteria 2015. Collection method: curation. Allele origin: germline. Affected: yes. Not counted in ClinVar's aggregate classification.
ClinVar note: Reason: This record appears to be redundant with a more recent record from the same submitter.
ClinVar note: Notes: SCV000065885 appears to be redundant with SCV000065886.

Literature cited by the submitters: PubMed 10227394 (cited by Labcorp Genetics (formerly Invitae), Labcorp); PubMed 17304050 (cited by 3 submitters); PubMed 9242607 (cited by Labcorp Genetics (formerly Invitae), Labcorp); PubMed 10053179 (cited by Labcorp Genetics (formerly Invitae), Labcorp and OMIM); PubMed 21520333 (cited by Labcorp Genetics (formerly Invitae), Labcorp); PubMed 32005694 (cited by Ambry Genetics); PubMed 32211034 (cited by Ambry Genetics); PubMed 32917966 (cited by Ambry Genetics); PubMed 33532864 (cited by Molecular Biology Laboratory, Fundació Puigvert).

NM_000368.5(TSC1):c.1904_1905del (p.Thr635fs)

Gene: TSC1 (TSC complex subunit 1; minus strand). Cytogenetic location: 9q34.13.
Variant type: Microsatellite.
Coding change: c.1904_1905del on transcript NM_000368.5 (MANE Select); coding-DNA positions 1904 to 1905, 2 bases deleted (CA; older notation c.1904_1905delCA).
Protein change: p.Thr635fs; shifts the reading frame from threonine 635.
Molecular consequence: frameshift variant.
Genome position (GRCh38, 1-based): chr9:132,905,673-132,905,674, TG deleted on the plus strand (CA on the coding strand, the reverse complement: TSC1 is on the minus strand); deleting any 2 consecutive bases within chr9:132,905,673-132,905,677 gives the same sequence; the c. name uses the placement nearest the transcript's 3' end. VCF-style (leftmost placement, unchanged base first): chr9-132905672-CTG-C. GRCh37 (hg19) VCF-style: chr9-135781059-CTG-C.
Other names: c.1904_1905delCA (NM_000368.4); c.1901_1902del, p.Thr634fs (NM_001162426.2); c.1751_1752del, p.Thr584fs (NM_001162427.2); c.1541_1542del, p.Thr514fs (NM_001362177.2); c.1903_1904delAC (NM_000368.5); short protein forms T514fs, T584fs, T634fs, T635fs.
Identifiers: ClinVar variation 5100 (VCV000005100.24), dbSNP rs118203597, ClinGen allele CA005548.
Genomic context (GRCh38, chr9:132,905,672, plus strand): 5'-CCTGCTGTATCAGTCTGTCCAGCACTTCCATTGGGGAGGTAGAGGGCACACCATCTTCCT[CTG>C]TGTTTCCTTTTGCTTTCTTTAACAGCTCCTCAGTCTTCCTGATGACAAAATGATGGGCTG-3'